The following is an entry in ClinVar:

ClinVar aggregate classification (germline): Benign/Likely benign. Review status: criteria provided, multiple submitters, no conflicts (2 of 4 stars). 2 submissions from 2 submitters: Benign (1); Likely benign (1). Last evaluated 2025-11-24.

Conditions:
MORC2-related disorder. Also called: MORC2-related condition.
Charcot-Marie-Tooth disease axonal type 2Z. Also called: CHARCOT-MARIE-TOOTH DISEASE, AXONAL, AUTOSOMAL DOMINANT, TYPE 2Z; CHARCOT-MARIE-TOOTH NEUROPATHY, TYPE 2Z. Identifiers: Orphanet 466768, MedGen C5569025, MONDO:0014736, OMIM 616688.

Allele frequency attached by ClinVar (database versions not stated): gnomAD exomes 0.00004 and 0.00011; ExAC 0.00016; TOPMed 0.00027; gnomAD 0.00029 and 0.00031; ESP Exome Variant Server 0.00038; 1000 Genomes Project 0.00060; 1000 Genomes Project 30x 0.00078.
gnomAD v4.1: 102 of 1,614,020 alleles (0.0063%); highest among the groups gnomAD compares: African/African-American, 0.093%; no homozygotes.

Submissions (2):

PreventionGenetics, part of Exact Sciences
Classification: Likely benign for MORC2-related condition. Last evaluated: 2025-11-24. Review status: criteria provided, single submitter. Criteria: ACMG Guidelines, 2015. Collection method: clinical testing. Allele origin: germline.
Comment: This variant is classified as likely benign based on ACMG/AMP sequence variant interpretation guidelines (Richards et al. 2015 PMID: 25741868, with internal and published modifications).

Labcorp Genetics (formerly Invitae), Labcorp
Classification: Benign for Charcot-Marie-Tooth disease axonal type 2Z. Last evaluated: 2025-09-08. Review status: criteria provided, single submitter. Criteria: Invitae Variant Classification Sherloc (09022015). Collection method: clinical testing. Allele origin: germline.

NM_001303256.3(MORC2):c.2989C>T (p.Leu997=)

Gene: MORC2 (MORC family CW-type zinc finger 2; minus strand). Cytogenetic location: 22q12.2.
Variant type: single nucleotide variant.
Coding change: c.2989C>T on transcript NM_001303256.3 (MANE Select); coding-DNA position 2989, C replaced by T.
Protein change: p.Leu997=; no amino-acid change (leucine 997 retained).
Molecular consequence: synonymous variant.
Genome position (GRCh38, 1-based): chr22:30,928,060, G>A on the plus strand (C>T on the coding strand, the complement: MORC2 is on the minus strand). VCF-style: chr22-30928060-G-A. GRCh37 (hg19) VCF-style: chr22-31324047-G-A.
Other names: c.2989C>T, p.Leu997= (NM_001303257.2); c.2803C>T, p.Leu935= (NM_014941.3).
Identifiers: ClinVar variation 704475 (VCV000704475.12), dbSNP rs142766430, ClinGen allele CA10186501.